The following is an entry in ClinVar:

NM_206933.4(USH2A):c.4752T>A (p.Asp1584Glu)

Gene: USH2A (usherin; minus strand). Cytogenetic location: 1q41.
Variant type: single nucleotide variant.
Coding change: c.4752T>A on transcript NM_206933.4 (MANE Select); coding-DNA position 4752, T replaced by A.
Protein change: p.Asp1584Glu; replaces aspartic acid 1584 with glutamic acid.
Molecular consequence: missense variant.
Genome position (GRCh38, 1-based): chr1:216,097,089, A>T on the plus strand (T>A on the coding strand, the complement: USH2A is on the minus strand). VCF-style: chr1-216097089-A-T. GRCh37 (hg19) VCF-style: chr1-216270431-A-T.
Other names: short protein forms D1584E.
Identifiers: ClinVar variation 1435203 (VCV001435203.4), dbSNP rs1411201130, ClinGen allele CA344860996.

ClinVar aggregate classification (germline): Conflicting classifications of pathogenicity. Review status: criteria provided, conflicting classifications (1 of 4 stars). 2 submissions from 2 submitters: Likely pathogenic (1); Uncertain significance (1). Last evaluated 2022-11-06.

Conditions:
USH2A-related disorder. Also called: USH2A-related disorders; USH2A-related condition. Identifiers: MedGen CN239332.

Allele frequency attached by ClinVar (database versions not stated): gnomAD exomes below 0.00001; gnomAD 0.00001; TOPMed 0.00001.
gnomAD v4.1: 3 of 1,613,812 alleles (0.00019%); highest among the groups gnomAD compares: Admixed American, 0.0017%; no homozygotes.

Submissions (2):

Blueprint Genetics
Classification: Likely pathogenic for USH2A-related disorders. Last evaluated: 2022-11-06. Review status: criteria provided, single submitter. Criteria: ACMG Guidelines, 2015. Collection method: clinical testing. Allele origin: germline. Affected: yes. Observed: 2 variant alleles.

Labcorp Genetics (formerly Invitae), Labcorp
Classification: Uncertain significance. Last evaluated: 2021-11-12. Review status: criteria provided, single submitter. Criteria: Invitae Variant Classification Sherloc (09022015). Collection method: clinical testing. Allele origin: germline.
Comment: This sequence change replaces aspartic acid, which is acidic and polar, with glutamic acid, which is acidic and polar, at codon 1584 of the USH2A protein (p.Asp1584Glu). This variant is not present in population databases (gnomAD no frequency). This missense change has been observed in individual(s) with retinitis pigmentosa (Invitae). Algorithms developed to predict the effect of missense changes on protein structure and function are either unavailable or do not agree on the potential impact of this missense change (SIFT: "Deleterious"; PolyPhen-2: "Probably Damaging"; Align-GVGD: "Class C0"). In summary, the available evidence is currently insufficient to determine the role of this variant in disease. Therefore, it has been classified as a Variant of Uncertain Significance.